The following is an entry in ClinVar:

ClinVar aggregate classification (germline): Uncertain significance (1 of 4 stars; one submission).

Allele frequency attached by ClinVar (database versions not stated): gnomAD exomes below 0.00001.
gnomAD v4.1: 1 of 1,613,688 alleles (0.000062%); highest among the groups gnomAD compares: Non-Finnish European, 0.000085%; no homozygotes.

Submission:

Labcorp Genetics (formerly Invitae), Labcorp
Classification: Uncertain significance. Last evaluated: 2022-01-01. Review status: criteria provided, single submitter. Criteria: Invitae Variant Classification Sherloc (09022015). Collection method: clinical testing. Allele origin: germline.
Comment: Algorithms developed to predict the effect of sequence changes on RNA splicing suggest that this variant may create or strengthen a splice site. In summary, the available evidence is currently insufficient to determine the role of this variant in disease. Therefore, it has been classified as a Variant of Uncertain Significance. Algorithms developed to predict the effect of missense changes on protein structure and function (SIFT, PolyPhen-2, Align-GVGD) all suggest that this variant is likely to be disruptive. This sequence change replaces aspartic acid, which is acidic and polar, with glycine, which is neutral and non-polar, at codon 5242 of the HMCN1 protein (p.Asp5242Gly). This variant is not present in population databases (gnomAD no frequency). This variant has not been reported in the literature in individuals affected with HMCN1-related conditions.

NM_031935.3(HMCN1):c.15725A>G (p.Asp5242Gly)

Gene: HMCN1 (hemicentin 1; plus strand). Cytogenetic location: 1q31.1.
Variant type: single nucleotide variant.
Coding change: c.15725A>G on transcript NM_031935.3 (MANE Select); coding-DNA position 15725, A replaced by G.
Protein change: p.Asp5242Gly; replaces aspartic acid 5242 with glycine.
Molecular consequence: missense variant.
Genome position (GRCh38, 1-based): chr1:186,172,042, A>G. VCF-style: chr1-186172042-A-G. GRCh37 (hg19) VCF-style: chr1-186141174-A-G.
Other names: short protein forms D5242G.
Identifiers: ClinVar variation 2068108 (VCV002068108.4), dbSNP rs2528236257, ClinGen allele CA343933683.
Genomic context (GRCh38, chr1:186,172,042, plus strand): 5'-CATTACCTTTGTTCTTTTATCAAGATGTGAACGAGTGTAGACAAAATGTATGCAGACCAG[A>G]TCAGCACTGTAAGAACACCCGTGGTGGCTATAAGTGCATTGATCTTTGTCCAAATGGAAT-3'
Protein context (NP_114141.2, residues 5232-5252): NECRQNVCRP[Asp5242Gly]QHCKNTRGGY